The following is an entry in ClinVar:

NM_006206.6(PDGFRA):c.2454T>C (p.Asp818=)

Gene: PDGFRA (platelet derived growth factor receptor alpha; plus strand). Cytogenetic location: 4q12.
Variant type: single nucleotide variant.
Coding change: c.2454T>C on transcript NM_006206.6 (MANE Select); coding-DNA position 2454, T replaced by C.
Protein change: p.Asp818=; no amino-acid change (aspartic acid 818 retained).
Molecular consequence: synonymous variant.
Genome position (GRCh38, 1-based): chr4:54,285,855, T>C. VCF-style: chr4-54285855-T-C. GRCh37 (hg19) VCF-style: chr4-55152022-T-C.
Other names: c.2529T>C, p.Asp843= (NM_001347828.2); c.2454T>C, p.Asp818= (NM_001347829.2); c.2493T>C, p.Asp831= (NM_001347830.2).
Identifiers: ClinVar variation 793636 (VCV000793636.11), dbSNP rs1577742186, ClinGen allele CA439287764.
Genomic context (GRCh38, chr4:54,285,855, plus strand): 5'-GCTACAGATGGCTTGATCCTGAGTCATTTCTTCCTTTTCCATGCAGTGTGTCCACCGTGA[T>C]CTGGCTGCTCGCAACGTCCTCCTGGCACAAGGAAAAATTGTGAAGATCTGTGACTTTGGC-3'
Protein context (NP_006197.1, residues 808-828): FLASKNCVHR[Asp818=]LAARNVLLAQ

ClinVar aggregate classification (germline): Benign/Likely benign. Review status: criteria provided, multiple submitters, no conflicts (2 of 4 stars). 3 submissions from 3 submitters: Benign (1); Likely benign (2). Last evaluated 2026-06-17.

Conditions:
Polyps, multiple and recurrent inflammatory fibroid, gastrointestinal. Identifiers: MedGen C5193005, MONDO:0008285, OMIM 175510.
Gastrointestinal stromal tumor. Also called: Gastrointestinal stromal tumor, somatic; Gastrointestinal stroma tumor. Identifiers: Orphanet 44890, MedGen C0238198, MeSH D046152, MONDO:0011719, OMIM 606764, HP:0100723.
Hereditary cancer-predisposing syndrome. Also called: Neoplastic Syndromes, Hereditary; Hereditary Cancer Syndrome; Hereditary neoplastic syndrome; Tumor predisposition. Identifiers: Orphanet 140162, MedGen C0027672, MeSH D009386, MONDO:0015356.

Allele frequency attached by ClinVar (database versions not stated): TOPMed below 0.00001.

Submissions (3):

Myriad Genetics, Inc.
Classification: Benign for Polyps, multiple and recurrent inflammatory fibroid, gastrointestinal. Last evaluated: 2026-06-17. Review status: criteria provided, single submitter. Criteria: Myriad Autosomal Dominant, Autosomal Recessive and X-Linked Classification Criteria (2023). Collection method: clinical testing. Allele origin: unknown.
Comment: This variant is considered benign. This variant is a silent/synonymous amino acid change and it is not expected to impact splicing.

Labcorp Genetics (formerly Invitae), Labcorp
Classification: Likely benign for Gastrointestinal stromal tumor. Last evaluated: 2025-07-25. Review status: criteria provided, single submitter. Criteria: Invitae Variant Classification Sherloc (09022015). Collection method: clinical testing. Allele origin: germline.

Ambry Genetics
Classification: Likely benign for Hereditary cancer-predisposing syndrome. Last evaluated: 2020-10-30. Review status: criteria provided, single submitter. Criteria: Ambry Variant Classification Scheme 2023. Collection method: clinical testing. Allele origin: germline.